The following is an entry in ClinVar:

ClinVar aggregate classification (germline): Pathogenic (1 of 4 stars; one submission).

Conditions:
Telangiectasia, hereditary hemorrhagic, type 2 (HHT2). Also called: ACVRL1-Related Hereditary Hemorrhagic Telangiectasia; Telangiectasia, hereditary hemorrhagic, type II. Identifiers: Orphanet 774, MedGen C1838163, MONDO:0010880, OMIM 600376. Disease mechanism: loss of function.

Submission:

Labcorp Genetics (formerly Invitae), Labcorp
Classification: Pathogenic for Telangiectasia, hereditary hemorrhagic, type 2. Last evaluated: 2025-07-30. Review status: criteria provided, single submitter. Criteria: Invitae Variant Classification Sherloc (09022015). Collection method: clinical testing. Allele origin: germline.
Comment: This sequence change replaces glycine, which is neutral and non-polar, with arginine, which is basic and polar, at codon 48 of the ACVRL1 protein (p.Gly48Arg). This variant is not present in population databases (gnomAD no frequency). This missense change has been observed in individual(s) with clinical features of hereditary hemorrhagic telangiectasia (PMID: 15024723, 16690726; internal data). In at least one individual the variant was observed to be de novo. ClinVar contains an entry for this variant (Variation ID: 1382311). Invitae Evidence Modeling of protein sequence and biophysical properties (such as structural, functional, and spatial information, amino acid conservation, physicochemical variation, residue mobility, and thermodynamic stability) indicates that this missense variant is expected to disrupt ACVRL1 protein function with a positive predictive value of 95%. This variant disrupts the p.Gly48 amino acid residue in ACVRL1. Other variant(s) that disrupt this residue have been determined to be pathogenic (PMID: 17786384, 21158752, 24603890; internal data). This suggests that this residue is clinically significant, and that variants that disrupt this residue are likely to be disease-causing. For these reasons, this variant has been classified as Pathogenic.

Literature cited by the submitters: PubMed 15024723; PubMed 16690726; PubMed 17786384; PubMed 21158752; PubMed 24603890.

NM_000020.3(ACVRL1):c.142G>A (p.Gly48Arg)

Gene: ACVRL1 (activin A receptor like type 1; plus strand). Cytogenetic location: 12q13.13.
Variant type: single nucleotide variant.
Coding change: c.142G>A on transcript NM_000020.3 (MANE Select); coding-DNA position 142, G replaced by A.
Protein change: p.Gly48Arg; replaces glycine 48 with arginine.
Molecular consequence: missense variant.
Genome position (GRCh38, 1-based): chr12:51,913,179, G>A. VCF-style: chr12-51913179-G-A. GRCh37 (hg19) VCF-style: chr12-52306963-G-A.
Other names: c.142G>A, p.Gly48Arg (NM_001077401.2); short protein forms G48R.
Identifiers: ClinVar variation 1382311 (VCV001382311.8), dbSNP rs2139064757, ClinGen allele CA384897677.